The following is an entry in ClinVar:

NM_002160.4(TNC):c.961G>A (p.Asp321Asn)

Gene: TNC (tenascin C; minus strand). Cytogenetic location: 9q33.1.
Variant type: single nucleotide variant.
Coding change: c.961G>A on transcript NM_002160.4 (MANE Select); coding-DNA position 961, G replaced by A.
Protein change: p.Asp321Asn; replaces aspartic acid 321 with asparagine.
Molecular consequence: missense variant.
Genome position (GRCh38, 1-based): chr9:115,086,770, C>T on the plus strand (G>A on the coding strand, the complement: TNC is on the minus strand). VCF-style: chr9-115086770-C-T. GRCh37 (hg19) VCF-style: chr9-117849049-C-T.
Other names: c.961G>A, p.Asp321Asn (NM_001410991.1); short protein forms D321N.
Identifiers: ClinVar variation 2343932 (VCV002343932.4), dbSNP rs201708446, ClinGen allele CA5208920.
Genomic context (GRCh38, chr9:115,086,770, plus strand): 5'-AGTCTTCACCTGTGAAGCCTTCTTCGCAGTAGCAGGTGCCATTGATGCAGCGGCCCCGGT[C>T]GAAGCAGTCATTGGGGCAGATGAGCTCACTGCAGTCTTCGCCCGTGAAACCCTCATCACA-3'
Protein context (NP_002151.2, residues 311-331): SELICPNDCF[Asp321Asn]RGRCINGTCY

ClinVar aggregate classification (germline): Conflicting classifications of pathogenicity. Review status: criteria provided, conflicting classifications (1 of 4 stars). 2 submissions from 2 submitters: Uncertain significance (1); Likely benign (1). Last evaluated 2025-12-18.

Conditions:
TNC-related disorder. Also called: TNC-related condition.

Allele frequency attached by ClinVar (database versions not stated): gnomAD 0.00007; TOPMed 0.00012; ExAC 0.00016.
gnomAD v4.1: 92 of 1,613,638 alleles (0.0057%); highest among the groups gnomAD compares: Admixed American, 0.092%; no homozygotes.

Submissions (2):

PreventionGenetics, part of Exact Sciences
Classification: Likely benign for TNC-related condition. Last evaluated: 2025-12-18. Review status: criteria provided, single submitter. Criteria: ACMG Guidelines, 2015. Collection method: clinical testing. Allele origin: germline.
Comment: This variant is classified as likely benign based on ACMG/AMP sequence variant interpretation guidelines (Richards et al. 2015 PMID: 25741868, with internal and published modifications).

Ambry Genetics
Classification: Uncertain significance. Last evaluated: 2024-07-07. Review status: criteria provided, single submitter. Criteria: Ambry Variant Classification Scheme 2023. Collection method: clinical testing. Allele origin: germline.